The following is an entry in ClinVar:

ClinVar aggregate classification (germline): Likely benign. Review status: criteria provided, multiple submitters, no conflicts (2 of 4 stars). 2 submissions from 2 submitters: Likely benign (2). Last evaluated 2025-08-01.

Conditions:
Progressive myoclonic epilepsy. Also called: Familial progressive myoclonic epilepsy; Myoclonus epilepsy; Progressive myoclonus epilepsy; Myoclonic Epilepsies, Progressive. Identifiers: Orphanet 308, Orphanet 98261, MedGen C0751778, MONDO:0020074.

Allele frequency attached by ClinVar (database versions not stated): gnomAD exomes 0.00002.
gnomAD v4.1: 1 of 1,347,940 alleles (0.000074%); highest among the groups gnomAD compares: Admixed American, 0.003%; no homozygotes.

Submissions (2):

CeGaT Center for Human Genetics Tuebingen
Classification: Likely benign. Last evaluated: 2025-08-01. Review status: criteria provided, single submitter. Criteria: CeGaT Center For Human Genetics Tuebingen Variant Classification Criteria Version 2. Collection method: clinical testing. Allele origin: germline. Affected: yes. Observed: 1 variant allele.
Comment: EPM2A: BP4, BP7

Labcorp Genetics (formerly Invitae), Labcorp
Classification: Likely benign for Progressive myoclonic epilepsy. Last evaluated: 2024-12-12. Review status: criteria provided, single submitter. Criteria: Invitae Variant Classification Sherloc (09022015). Collection method: clinical testing. Allele origin: germline.

NM_005670.4(EPM2A):c.154C>T (p.Leu52=)

Genes: EPM2A (EPM2A glucan phosphatase, laforin; minus strand), EPM2A-DT (EPM2A divergent transcript; plus strand), LOC129997381 (ATAC-STARR-seq lymphoblastoid silent region 17642; plus strand). Cytogenetic location: 6q24.3.
Variant type: single nucleotide variant.
Coding change: c.154C>T on transcript NM_005670.4 (MANE Select); coding-DNA position 154, C replaced by T.
Protein change: p.Leu52=; no amino-acid change (leucine 52 retained).
Molecular consequence: synonymous variant. On other transcripts: 5 prime UTR variant (3), intron variant (1).
Genome position (GRCh38, 1-based): chr6:145,735,345, G>A on the plus strand (C>T on the coding strand, the complement: EPM2A is on the minus strand). VCF-style: chr6-145735345-G-A. GRCh37 (hg19) VCF-style: chr6-146056481-G-A.
Other names: c.154C>T, p.Leu52= (NM_001018041.2, NM_001360057.2, NM_001368130.1); c.-516C>T (NM_001360071.2); c.-470C>T (NM_001368129.2); c.-214C>T (NM_001368131.1); c.-114+563C>T (NM_001360064.2).
Identifiers: ClinVar variation 1648013 (VCV001648013.16), dbSNP rs1266603162, ClinGen allele CA452726315.
Genomic context (GRCh38, chr6:145,735,345, plus strand): 5'-CCGCCTCCTCGGCCGCCAGCTCCACCTCCCCGAGCCACAGGCCCGGCTCCTGCAGGGCCA[G>A]GGCCCCGTCGCCCGCCGCGGTGCCGGCCGGCCTCAGGCGGACGGCACCGCGCGGCTCCCA-3'
Protein context (NP_005661.1, residues 42-62): PAGTAAGDGA[Leu52=]ALQEPGLWLG